The following is an entry in ClinVar:

NM_000440.3(PDE6A):c.922C>A (p.Pro308Thr)

Gene: PDE6A (phosphodiesterase 6A; minus strand). Cytogenetic location: 5q32.
Variant type: single nucleotide variant.
Coding change: c.922C>A on transcript NM_000440.3 (MANE Select); coding-DNA position 922, C replaced by A.
Protein change: p.Pro308Thr; replaces proline 308 with threonine.
Molecular consequence: missense variant.
Genome position (GRCh38, 1-based): chr5:149,921,646, G>T on the plus strand (C>A on the coding strand, the complement: PDE6A is on the minus strand). VCF-style: chr5-149921646-G-T. GRCh37 (hg19) VCF-style: chr5-149301209-G-T.
Other names: short protein forms P308T.
Identifiers: ClinVar variation 1415220 (VCV001415220.9), dbSNP rs2113640773, ClinGen allele CA361700741.

ClinVar aggregate classification (germline): Uncertain significance. Review status: criteria provided, multiple submitters, no conflicts (2 of 4 stars). 2 submissions from 2 submitters: Uncertain significance (2). Last evaluated 2025-04-07.

Allele frequency attached by ClinVar (database versions not stated): gnomAD exomes below 0.00001.
gnomAD v4.1: 1 of 1,613,258 alleles (0.000062%); highest among the groups gnomAD compares: Middle Eastern, 0.017%; no homozygotes.

Submissions (2):

Labcorp Genetics (formerly Invitae), Labcorp
Classification: Uncertain significance. Last evaluated: 2025-04-07. Review status: criteria provided, single submitter. Criteria: Invitae Variant Classification Sherloc (09022015). Collection method: clinical testing. Allele origin: germline.
Comment: This sequence change replaces proline, which is neutral and non-polar, with threonine, which is neutral and polar, at codon 308 of the PDE6A protein (p.Pro308Thr). This variant is not present in population databases (gnomAD no frequency). This variant has not been reported in the literature in individuals affected with PDE6A-related conditions. ClinVar contains an entry for this variant (Variation ID: 1415220). Invitae Evidence Modeling of protein sequence and biophysical properties (such as structural, functional, and spatial information, amino acid conservation, physicochemical variation, residue mobility, and thermodynamic stability) has been performed for this missense variant. However, the output from this modeling did not meet the statistical confidence thresholds required to predict the impact of this variant on PDE6A protein function. In summary, the available evidence is currently insufficient to determine the role of this variant in disease. Therefore, it has been classified as a Variant of Uncertain Significance.

Breakthrough Genomics
Classification: Uncertain significance. Review status: criteria provided, single submitter. Criteria: ACMG Guidelines, 2015. Collection method: not provided. Allele origin: germline. Inheritance: Unknown mechanism. Affected: yes.